The following is an entry in ClinVar:

NM_006231.4(POLE):c.5248G>A (p.Gly1750Arg)

Gene: POLE (DNA polymerase epsilon, catalytic subunit; minus strand). Cytogenetic location: 12q24.33.
Variant type: single nucleotide variant.
Coding change: c.5248G>A on transcript NM_006231.4 (MANE Select); coding-DNA position 5248, G replaced by A.
Protein change: p.Gly1750Arg; replaces glycine 1750 with arginine.
Molecular consequence: missense variant.
Genome position (GRCh38, 1-based): chr12:132,641,777, C>T on the plus strand (G>A on the coding strand, the complement: POLE is on the minus strand). VCF-style: chr12-132641777-C-T. GRCh37 (hg19) VCF-style: chr12-133218363-C-T.
Other names: c.5248G>A (NM_006231.2); short protein forms G1750R.
Identifiers: ClinVar variation 801267 (VCV000801267.3), dbSNP rs1593728023, ClinGen allele CA387376337.
Genomic context (GRCh38, chr12:132,641,777, plus strand): 5'-TCATGTCCTCCAGGGAGGCCTGCTGGATCACGTCGAAGCTGATCCCCATGCTGTCGGCCC[C>T]CTCCATGTCGTTGACATGGTGAGACTGGAGAATGGTGTTGACGGCCAGGTTCTGAAGGTC-3'
Protein context (NP_006222.2, residues 1740-1760): LQSHHVNDME[Gly1750Arg]ADSMGISFDV

ClinVar aggregate classification (germline): Uncertain significance. Review status: criteria provided, multiple submitters, no conflicts (2 of 4 stars). 2 submissions from 2 submitters: Uncertain significance (2). Last evaluated 2024-06-16.

Conditions:
Hereditary cancer-predisposing syndrome. Also called: Tumor predisposition; Neoplastic Syndromes, Hereditary; Hereditary Cancer Syndrome; Hereditary neoplastic syndrome. Identifiers: Orphanet 140162, MedGen C0027672, MeSH D009386, MONDO:0015356.

Allele frequency attached by ClinVar (database versions not stated): gnomAD exomes below 0.00001.
gnomAD v4.1: 1 of 1,609,056 alleles (0.000062%); no homozygotes.

Submissions (2):

Ambry Genetics
Classification: Uncertain significance for Hereditary cancer-predisposing syndrome. Last evaluated: 2024-06-16. Review status: criteria provided, single submitter. Criteria: Ambry Variant Classification Scheme 2023. Collection method: clinical testing. Allele origin: germline.
Comment: The p.G1750R variant (also known as c.5248G>A), located in coding exon 39 of the POLE gene, results from a G to A substitution at nucleotide position 5248. The glycine at codon 1750 is replaced by arginine, an amino acid with dissimilar properties. This amino acid position is conserved. In addition, this alteration is predicted to be deleterious by in silico analysis. Based on the available evidence, the clinical significance of this variant remains unclear.

Quest Diagnostics Nichols Institute San Juan Capistrano
Classification: Uncertain significance. Last evaluated: 2019-06-14. Review status: criteria provided, single submitter. Criteria: Quest Diagnostics criteria. Collection method: clinical testing. Allele origin: germline.